The following is an entry in ClinVar:

NM_001098668.4(SFTPA2):c.567G>A (p.Leu189=)

Gene: SFTPA2 (surfactant protein A2; minus strand). Cytogenetic location: 10q22.3.
Variant type: single nucleotide variant.
Coding change: c.567G>A on transcript NM_001098668.4 (MANE Select); coding-DNA position 567, G replaced by A.
Protein change: p.Leu189=; no amino-acid change (leucine 189 retained).
Molecular consequence: synonymous variant.
Genome position (GRCh38, 1-based): chr10:79,557,389, C>T on the plus strand (G>A on the coding strand, the complement: SFTPA2 is on the minus strand). VCF-style: chr10-79557389-C-T. GRCh37 (hg19) VCF-style: chr10-81317145-C-T.
Other names: c.567G>A, p.Leu189= (NM_001320813.2); c.597G>A, p.Leu199= (NM_001320814.1).
Identifiers: ClinVar variation 3769684 (VCV003769684.1).
Genomic context (GRCh38, chr10:79,557,389, plus strand): 5'-GGTGTAGTTTACAGGGGTCCCATCTGAGTAGCGGAAGTCTCCAGGGCTGGGACCCTCAGT[C>T]AGGCCTACATAGGCATATGTGTTGTACTTCTTCACGAAGCTTGCAATGGCCTCATTTTCC-3'
Protein context (NP_001092138.1, residues 179-199): KKYNTYAYVG[Leu189=]TEGPSPGDFR

ClinVar aggregate classification (germline): Uncertain significance (1 of 4 stars; one submission).

gnomAD v4.1: 5 of 1,614,044 alleles (0.00031%); highest among the groups gnomAD compares: East Asian, 0.0022%; no homozygotes.

Submission:

GeneDx
Classification: Uncertain significance. Last evaluated: 2024-09-16. Review status: criteria provided, single submitter. Criteria: GeneDx Variant Classification Process June 2021. Collection method: clinical testing. Allele origin: germline. Affected: yes.
Comment: In silico analysis indicates that this variant does not alter splicing; Has not been previously published as pathogenic or benign to our knowledge